The following is an entry in ClinVar:

NM_000329.3(RPE65):c.982C>T (p.Leu328Phe)

Gene: RPE65 (retinoid isomerohydrolase RPE65; minus strand). Cytogenetic location: 1p31.3.
Variant type: single nucleotide variant.
Coding change: c.982C>T on transcript NM_000329.3 (MANE Select); coding-DNA position 982, C replaced by T.
Protein change: p.Leu328Phe; replaces leucine 328 with phenylalanine.
Molecular consequence: missense variant.
Genome position (GRCh38, 1-based): chr1:68,438,958, G>A on the plus strand (C>T on the coding strand, the complement: RPE65 is on the minus strand). VCF-style: chr1-68438958-G-A. GRCh37 (hg19) VCF-style: chr1-68904641-G-A.
Other names: NM_000329.3(RPE65):c.982C>T; p.Leu328Phe; short protein forms L328F.
Identifiers: ClinVar variation 556178 (VCV000556178.14), dbSNP rs1169420841, ClinGen allele CA340744630.

ClinVar aggregate classification (germline): Likely pathogenic. Review status: reviewed by expert panel (3 of 4 stars). 6 submissions from 6 submitters: Likely pathogenic (1). 5 of the submissions do not count toward it. Last evaluated 2024-12-12.

Conditions:
Retinitis pigmentosa 87 with choroidal involvement. Identifiers: MedGen C5231465, MONDO:0032873, OMIM 618697.
Leber congenital amaurosis 2 (LCA2). Also called: Autosomal Recessive RPE65-Related Retinal Degeneration; AMAUROSIS CONGENITA OF LEBER II. Identifiers: Orphanet 65, MedGen C1859844, MONDO:0008765, OMIM 204100. Disease mechanism: loss of function.
Retinitis pigmentosa 20 (RP20). Identifiers: Orphanet 791, MedGen C3151086, MONDO:0013425, OMIM 613794.
RPE65-related recessive retinopathy. Also called: Recessive RPE65 retinopathy. Identifiers: MedGen CN305526, MONDO:0100368.

Allele frequency attached by ClinVar (database versions not stated): gnomAD exomes below 0.00001 and 0.00001; gnomAD 0.00001.
gnomAD v4.1: 5 of 1,614,064 alleles (0.00031%); highest among the groups gnomAD compares: South Asian, 0.0022%; no homozygotes.

Submissions (6):

ClinGen Leber Congenital Amaurosis/early Onset Retinal Dystrophy Variant Curation Expert Panel, ClinGen
Classification: Likely pathogenic for RPE65-related recessive retinopathy. Last evaluated: 2024-12-12. Review status: reviewed by expert panel. Criteria: ClinGen LCAeoRD ACMG Specifications RPE65 V1.0.0. Collection method: curation. Allele origin: germline. Inheritance: Autosomal recessive inheritance.
Comment: The NM_000329.3(RPE65):c.982C>T (p.Leu328Phe) variant is a missense variant causing a substitution of leucine with phenylalanine at position 328. This variant is present in gnomAD v.4.1.0 at a Grpmax allele frequency of 0.000003650, with 2/91076 in the South Asian population, which is lower than the ClinGen LCA/eoRD VCEP PM2_Supporting threshold of <0.0002 (PM2_Supporting). The computational predictor REVEL gives a score of 0.737, which is above the ClinGen LCA/eoRD VCEP threshold of ≥ 0.644 and predicts a damaging effect on RPE65 function (PP3). This variant has been reported in at least 4 probands with early-onset severe retinal dystrophy who were compound heterozygous with either the p.Tyr275Ter variant confirmed in trans (Pathogenic by VCEP, 1 point, PMID: 31630094); the NM_000329.3(RPE65):c.639dup (p.Ala214SerfsTer20) variant suspected in trans (Pathogenic by VCEP, 0.5 pt, PMID: 28393863); the p.Glu254Asp variant suspected in trans (LP by VCEP, 0.25 pt, PMID: 35129589 with additional information presented in ARVO meeting abstract); or the p.Leu447Pro variant confirmed in trans (VUS by VCEP, 0.25 pt, PMID: 38002999), all of which were previously classified as described above by the ClinGen LCA/eoRD VCEP (2 total points, PM3_Strong). At least one proband harboring this variant exhibits a phenotype including clinical diagnosis of Leber congenital amaurosis (0.5 pt), congenital night blindness (0.5 pt), White/yellow dot deposits (2 pt), previous exome testing that did not provide an alternative explanation for visual impairment (2 pt), and symptomatic onset between birth and 5 years (1 pt), which together are specific for RPE65-related recessive retinopathy (6 points, PMIDs: 31630094, 34830511, PP4). In summary, this variant meets the criteria to be classified as Likely Pathogenic for RPE65-related recessive retinopathy based on the ACMG/AMP criteria applied, as specified by the ClinGen LCA/eoRD VCEP: PM2_Supporting, PP3, PP4, PM3_Strong (VCEP specifications version 1.0.0; date of approval 09/21/2023).

Myriad Genetics, Inc.
Classification: Likely pathogenic for RPE65-related recessive retinopathy. Last evaluated: 2025-10-28. Review status: criteria provided, single submitter. Criteria: Myriad Autosomal Dominant, Autosomal Recessive and X-Linked Classification Criteria (2023). Collection method: clinical testing. Allele origin: unknown. Not counted in ClinVar's aggregate classification.
Comment: NM_000329.2(RPE65):c.982C>T(L328F) is a missense variant classified as likely pathogenic in the context of inherited retinal dystrophy, RPE65-related. L328F has been observed in cases with relevant disease (PMID: 31630094, 28393863, 38219857, 35129589, 38002999). Relevant functional assessments of this variant are not available in the literature. L328F has been observed in referenced population frequency databases. In summary, NM_000329.2(RPE65):c.982C>T(L328F) is a missense variant that has been observed more frequently in cases with the relevant disease than in healthy populations. Please note: this variant was assessed in the context of healthy population screening.

GeneDx
Classification: Likely pathogenic. Last evaluated: 2025-07-15. Review status: criteria provided, single submitter. Criteria: GeneDx Variant Classification Process June 2021. Collection method: clinical testing. Allele origin: germline. Affected: yes. Not counted in ClinVar's aggregate classification.
Comment: In silico analysis supports that this missense variant has a deleterious effect on protein structure/function; Not observed at significant frequency in large population cohorts (gnomAD); This variant is associated with the following publications: (PMID: 34830511, 35129589, 36460718, 28393863, 33952291, 31273949, 29681726, 38002999, 31630094, Brunetti-Pierri 2020[Abstract], 38219857)

Labcorp Genetics (formerly Invitae), Labcorp
Classification: Pathogenic for Leber congenital amaurosis 2; Retinitis pigmentosa 20. Last evaluated: 2024-06-06. Review status: criteria provided, single submitter. Criteria: Invitae Variant Classification Sherloc (09022015). Collection method: clinical testing. Allele origin: germline. Not counted in ClinVar's aggregate classification.
Comment: This sequence change replaces leucine, which is neutral and non-polar, with phenylalanine, which is neutral and non-polar, at codon 328 of the RPE65 protein (p.Leu328Phe). This variant is present in population databases (no rsID available, gnomAD 0.0009%). This missense change has been observed in individual(s) with autosomal recessive early onset retinal dystrophy (PMID: 28393863, 31630094, 35129589). In at least one individual the data is consistent with being in trans (on the opposite chromosome) from a pathogenic variant. ClinVar contains an entry for this variant (Variation ID: 556178). Advanced modeling of protein sequence and biophysical properties (such as structural, functional, and spatial information, amino acid conservation, physicochemical variation, residue mobility, and thermodynamic stability) performed at Invitae indicates that this missense variant is not expected to disrupt RPE65 protein function with a negative predictive value of 80%. For these reasons, this variant has been classified as Pathogenic.

Fulgent Genetics
Classification: Likely pathogenic for Leber congenital amaurosis 2; Retinitis pigmentosa 20; Retinitis pigmentosa 87 with choroidal involvement. Last evaluated: 2024-03-04. Review status: criteria provided, single submitter. Criteria: ACMG Guidelines, 2015. Collection method: clinical testing. Allele origin: germline. Not counted in ClinVar's aggregate classification.

Counsyl
Classification: Uncertain significance for Leber congenital amaurosis 2; Retinitis pigmentosa 20. Last evaluated: 2018-01-16. Review status: no assertion criteria provided. Collection method: clinical testing. Allele origin: unknown. Not counted in ClinVar's aggregate classification.

Literature cited by the submitters: PubMed 28393863 (cited by 3 submitters); PubMed 31630094 (cited by Myriad Genetics, Inc. and Labcorp Genetics (formerly Invitae), Labcorp); PubMed 35129589 (cited by Myriad Genetics, Inc. and Labcorp Genetics (formerly Invitae), Labcorp); PubMed 38002999 (cited by Myriad Genetics, Inc.); PubMed 38219857 (cited by Myriad Genetics, Inc.).